The following is an entry in ClinVar:

NM_052947.4(ALPK2):c.6269A>G (p.Asp2090Gly)

Gene: ALPK2 (alpha kinase 2; minus strand). Cytogenetic location: 18q21.31.
Variant type: single nucleotide variant.
Coding change: c.6269A>G on transcript NM_052947.4 (MANE Select); coding-DNA position 6269, A replaced by G.
Protein change: p.Asp2090Gly; replaces aspartic acid 2090 with glycine.
Molecular consequence: missense variant.
Genome position (GRCh38, 1-based): chr18:58,498,076, T>C on the plus strand (A>G on the coding strand, the complement: ALPK2 is on the minus strand). VCF-style: chr18-58498076-T-C. GRCh37 (hg19) VCF-style: chr18-56165308-T-C.
Other names: short protein forms D2090G.
Identifiers: ClinVar variation 1752528 (VCV001752528.2), dbSNP rs753063224, ClinGen allele CA8976212.

ClinVar aggregate classification (germline): Uncertain significance (1 of 4 stars; one submission).

Allele frequency attached by ClinVar (database versions not stated): gnomAD exomes below 0.00001; ExAC 0.00001; gnomAD 0.00001.
gnomAD v4.1: 3 of 1,614,000 alleles (0.00019%); highest among the groups gnomAD compares: South Asian, 0.0033%; no homozygotes.

Submission:

Ambry Genetics
Classification: Uncertain significance. Last evaluated: 2021-11-03. Review status: criteria provided, single submitter. Criteria: Ambry Variant Classification Scheme 2023. Collection method: clinical testing. Allele origin: germline.
Comment: The p.D2090G variant (also known as c.6269A>G), located in coding exon 11 of the ALPK2 gene, results from an A to G substitution at nucleotide position 6269. The aspartic acid at codon 2090 is replaced by glycine, an amino acid with similar properties. This amino acid position is conserved. In addition, the in silico prediction for this alteration is inconclusive. Since supporting evidence is limited at this time, the clinical significance of this alteration remains unclear.